The following is an entry in ClinVar:

NM_006949.4(STXBP2):c.132C>A (p.Cys44Ter)

Gene: STXBP2 (syntaxin binding protein 2; plus strand). Cytogenetic location: 19p13.2.
Variant type: single nucleotide variant.
Coding change: c.132C>A on transcript NM_006949.4 (MANE Select); coding-DNA position 132, C replaced by A.
Protein change: p.Cys44Ter; replaces cysteine 44 with a stop codon.
Molecular consequence: nonsense. On other transcripts: non-coding transcript variant (1).
Genome position (GRCh38, 1-based): chr19:7,639,063, C>A. VCF-style: chr19-7639063-C-A. GRCh37 (hg19) VCF-style: chr19-7703949-C-A.
Other names: c.132C>A, p.Cys44Ter (NM_001127396.3, NM_001272034.2); c.36C>A, p.Cys12Ter (NM_001414484.1); short protein forms C12*, C44*.
Identifiers: ClinVar variation 2980233 (VCV002980233.3), dbSNP rs753205026, ClinGen allele CA9143139.

ClinVar aggregate classification (germline): Pathogenic (1 of 4 stars; one submission).

Conditions:
Familial hemophagocytic lymphohistiocytosis 5. Also called: STXBP2-Related Familial Hemophagocytic Lymphohistiocytosis (STXBP2-fHLH). Identifiers: Orphanet 540, MedGen C2751293, MONDO:0013135, OMIM 613101.

Allele frequency attached by ClinVar (database versions not stated): TOPMed below 0.00001; ExAC 0.00001.

Submission:

Labcorp Genetics (formerly Invitae), Labcorp
Classification: Pathogenic for Familial hemophagocytic lymphohistiocytosis 5. Last evaluated: 2024-05-02. Review status: criteria provided, single submitter. Criteria: Invitae Variant Classification Sherloc (09022015). Collection method: clinical testing. Allele origin: germline.
Comment: This sequence change creates a premature translational stop signal (p.Cys44*) in the STXBP2 gene. It is expected to result in an absent or disrupted protein product. Loss-of-function variants in STXBP2 are known to be pathogenic (PMID: 19804848, 22451424). This variant is present in population databases (rs753205026, gnomAD 0.0009%). This variant has not been reported in the literature in individuals affected with STXBP2-related conditions. Algorithms developed to predict the effect of sequence changes on RNA splicing suggest that this variant may disrupt the consensus splice site. For these reasons, this variant has been classified as Pathogenic.

Literature cited by the submitters: PubMed 19804848; PubMed 22451424.